The following is an entry in ClinVar:

ClinVar aggregate classification (germline): Uncertain significance. Review status: criteria provided, multiple submitters, no conflicts (2 of 4 stars). 2 submissions from 2 submitters: Uncertain significance (2). Last evaluated 2024-10-26.

Conditions:
Deficiency of ferroxidase (ACEP). Also called: Aceruloplasminemia; Deficiency of ceruloplasmin; NEURODEGENERATION WITH BRAIN IRON ACCUMULATION 10; Ceruloplasmin deficiency; Familial apoceruloplasmin deficiency; Hereditary ceruloplasmin deficiency. Identifiers: Orphanet 48818, MedGen C0878682, MONDO:0011426, OMIM 604290, HP:0025498.
Inborn genetic diseases. Identifiers: MedGen C0950123, MeSH D030342.

Allele frequency attached by ClinVar (database versions not stated): TOPMed below 0.00001; ExAC 0.00001; gnomAD 0.00001; gnomAD exomes 0.00001.
gnomAD v4.1: 23 of 1,613,928 alleles (0.0014%); highest among the groups gnomAD compares: Middle Eastern, 0.016%; no homozygotes.

Submissions (2):

Labcorp Genetics (formerly Invitae), Labcorp
Classification: Uncertain significance for Deficiency of ferroxidase. Last evaluated: 2024-10-26. Review status: criteria provided, single submitter. Criteria: Invitae Variant Classification Sherloc (09022015). Collection method: clinical testing. Allele origin: germline.
Comment: This sequence change replaces threonine, which is neutral and polar, with alanine, which is neutral and non-polar, at codon 516 of the CP protein (p.Thr516Ala). This variant is present in population databases (rs780668014, gnomAD 0.006%). This variant has not been reported in the literature in individuals affected with CP-related conditions. ClinVar contains an entry for this variant (Variation ID: 1404214). Invitae Evidence Modeling of protein sequence and biophysical properties (such as structural, functional, and spatial information, amino acid conservation, physicochemical variation, residue mobility, and thermodynamic stability) indicates that this missense variant is not expected to disrupt CP protein function with a negative predictive value of 80%. In summary, the available evidence is currently insufficient to determine the role of this variant in disease. Therefore, it has been classified as a Variant of Uncertain Significance.

Ambry Genetics
Classification: Uncertain significance for Inborn genetic diseases. Last evaluated: 2022-05-30. Review status: criteria provided, single submitter. Criteria: Ambry Variant Classification Scheme 2023. Collection method: clinical testing. Allele origin: germline.

NM_000096.4(CP):c.1546A>G (p.Thr516Ala)

Gene: CP (ceruloplasmin; minus strand). Cytogenetic location: 3q24.
Variant type: single nucleotide variant.
Coding change: c.1546A>G on transcript NM_000096.4 (MANE Select); coding-DNA position 1546, A replaced by G.
Protein change: p.Thr516Ala; replaces threonine 516 with alanine.
Molecular consequence: missense variant. On other transcripts: non-coding transcript variant (1).
Genome position (GRCh38, 1-based): chr3:149,198,534, T>C on the plus strand (A>G on the coding strand, the complement: CP is on the minus strand). VCF-style: chr3-149198534-T-C. GRCh37 (hg19) VCF-style: chr3-148916321-T-C.
Other names: c.1546A>G (NM_000096.3); short protein forms T516A.
Identifiers: ClinVar variation 1404214 (VCV001404214.9), dbSNP rs780668014, ClinGen allele CA2660966.